The following is an entry in ClinVar:

NM_001277115.2(DNAH11):c.6986A>G (p.Tyr2329Cys)

Gene: DNAH11 (dynein axonemal heavy chain 11; plus strand). Cytogenetic location: 7p15.3.
Variant type: single nucleotide variant.
Coding change: c.6986A>G on transcript NM_001277115.2 (MANE Select); coding-DNA position 6986, A replaced by G.
Protein change: p.Tyr2329Cys; replaces tyrosine 2329 with cysteine.
Molecular consequence: missense variant.
Genome position (GRCh38, 1-based): chr7:21,717,777, A>G. VCF-style: chr7-21717777-A-G. GRCh37 (hg19) VCF-style: chr7-21757395-A-G.
Other names: short protein forms Y2329C.
Identifiers: ClinVar variation 1059557 (VCV001059557.10), dbSNP rs750881107, ClinGen allele CA4181083.

ClinVar aggregate classification (germline): Uncertain significance. Review status: criteria provided, multiple submitters, no conflicts (2 of 4 stars). 2 submissions from 2 submitters: Uncertain significance (2). Last evaluated 2022-09-01.

Conditions:
Primary ciliary dyskinesia. Also called: Ciliary dyskinesia. Identifiers: Orphanet 244, MedGen C0008780, MONDO:0016575, HP:0012265.

Allele frequency attached by ClinVar (database versions not stated): gnomAD exomes below 0.00001 and 0.00002; ExAC 0.00001; gnomAD 0.00001.
gnomAD v4.1: 15 of 1,613,562 alleles (0.00093%); highest among the groups gnomAD compares: Non-Finnish European, 0.0012%; no homozygotes.

Submissions (2):

Labcorp Genetics (formerly Invitae), Labcorp
Classification: Uncertain significance for Primary ciliary dyskinesia. Last evaluated: 2022-09-01. Review status: criteria provided, single submitter. Criteria: Invitae Variant Classification Sherloc (09022015). Collection method: clinical testing. Allele origin: germline.
Comment: In summary, the available evidence is currently insufficient to determine the role of this variant in disease. Therefore, it has been classified as a Variant of Uncertain Significance. Algorithms developed to predict the effect of missense changes on protein structure and function are either unavailable or do not agree on the potential impact of this missense change (SIFT: "Tolerated"; PolyPhen-2: "Benign"; Align-GVGD: "Class C25"). ClinVar contains an entry for this variant (Variation ID: 1059557). This variant has not been reported in the literature in individuals affected with DNAH11-related conditions. This variant is present in population databases (rs750881107, gnomAD 0.002%). This sequence change replaces tyrosine, which is neutral and polar, with cysteine, which is neutral and slightly polar, at codon 2329 of the DNAH11 protein (p.Tyr2329Cys).

Blueprint Genetics
Classification: Uncertain significance. Last evaluated: 2021-05-24. Review status: criteria provided, single submitter. Criteria: ACMG Guidelines, 2015. Collection method: clinical testing. Allele origin: germline.